The following is an entry in ClinVar:

ClinVar aggregate classification (germline): Uncertain significance (1 of 4 stars; one submission).

Allele frequency attached by ClinVar (database versions not stated): gnomAD exomes below 0.00001.
gnomAD v4.1: 1 of 1,614,126 alleles (0.000062%); highest among the groups gnomAD compares: Non-Finnish European, 0.000085%; no homozygotes.

Submission:

GeneDx
Classification: Uncertain significance. Last evaluated: 2022-07-25. Review status: criteria provided, single submitter. Criteria: GeneDx Variant Classification Process June 2021. Collection method: clinical testing. Allele origin: germline. Affected: yes.
Comment: In silico analysis supports that this missense variant does not alter protein structure/function; Has not been previously published as pathogenic or benign to our knowledge

NM_004380.3(CREBBP):c.3002C>A (p.Thr1001Asn)

Gene: CREBBP (CREB binding protein; minus strand). Cytogenetic location: 16p13.3.
Variant type: single nucleotide variant.
Coding change: c.3002C>A on transcript NM_004380.3 (MANE Select); coding-DNA position 3002, C replaced by A.
Protein change: p.Thr1001Asn; replaces threonine 1001 with asparagine.
Molecular consequence: missense variant.
Genome position (GRCh38, 1-based): chr16:3,769,232, G>T on the plus strand (C>A on the coding strand, the complement: CREBBP is on the minus strand). VCF-style: chr16-3769232-G-T. GRCh37 (hg19) VCF-style: chr16-3819233-G-T.
Other names: c.2888C>A, p.Thr963Asn (NM_001079846.1); short protein forms T1001N, T963N.
Identifiers: ClinVar variation 2412930 (VCV002412930.3), dbSNP rs776360894, ClinGen allele CA7869971.